The following is an entry in ClinVar:

NM_000088.4(COL1A1):c.1945_1953del (p.Ala649_Pro651del)

Gene: COL1A1 (collagen type I alpha 1 chain; minus strand). Cytogenetic location: 17q21.33.
Variant type: Deletion.
Coding change: c.1945_1953del on transcript NM_000088.4 (MANE Select); coding-DNA positions 1945 to 1953, 9 bases deleted (GCTGGTCCT; older notation c.1945_1953delGCTGGTCCT).
Protein change: p.Ala649_Pro651del.
Molecular consequence: inframe deletion.
Genome position (GRCh38, 1-based): chr17:50,192,505-50,192,513, AGGACCAGC deleted on the plus strand (GCTGGTCCT on the coding strand, the reverse complement: COL1A1 is on the minus strand); deleting any 9 consecutive bases within chr17:50,192,505-50,192,521 gives the same sequence; the c. name uses the placement nearest the transcript's 3' end. VCF-style (leftmost placement, unchanged base first): chr17-50192504-GAGGACCAGC-G. GRCh37 (hg19) VCF-style: chr17-48269865-GAGGACCAGC-G.
Identifiers: ClinVar variation 1330621 (VCV001330621.7), dbSNP rs2144563120, ClinGen allele CA2573054484.
Genomic context (GRCh38, chr17:50,192,504, plus strand): 5'-CCCACCCCTCTGGCCGGCTGCTCCCTCTTACCTGTTCACCAGGTTTGCCTGCTTCACCTG[GAGGACCAGC>G]AGGACCAGGGAGACCCTGTAGGTGGGAAATGGGGGAAGAAGGGAGGGAAGGTTTAGAATC-3'

ClinVar aggregate classification (germline): Likely pathogenic (1 of 4 stars; one submission).

Submission:

ARUP Laboratories, Molecular Genetics and Genomics, ARUP Laboratories
Classification: Likely pathogenic. Last evaluated: 2021-03-21. Review status: criteria provided, single submitter. Criteria: ARUP Molecular Germline Variant Investigation Process 2021. Collection method: clinical testing. Allele origin: germline.
Comment: The COL1A1 c.1945_1953delGCTGGTCCT; p.Ala649_Pro651del variant, to our knowledge, is not reported in the medical literature or gene specific databases. This variant is also absent from general population databases (Exome Variant Server, Genome Aggregation Database), indicating it is not a common polymorphism. This variant deletes three amino acid residues leaving the rest of the protein in-frame, and is located in the functionally important triple helix repeat region. Other in-frame deletions and duplications affecting this repeat region have been reported in individuals affected with osteogenesis imperfecta, including variants that delete or duplicate multiples of three amino acids and thus maintain the repeating Gly-X-Y pattern (Li 2019, Pace 2001). Additionally, a glycine substitution affecting one of the residues deleted in the p.Ala649_Pro651del variant (c.1948G>C; p.Gly650Arg) has also been reported in an affected individual (Marini 2007). Based on available information, the p.Ala649_Pro651del variant is considered to be likely pathogenic. References: Marini JC et al. Consortium for osteogenesis imperfecta mutations in the helical domain of type I collagen: regions rich in lethal mutations align with collagen binding sites for integrins and proteoglycans. Hum Mutat. 2007 Mar;28(3):209-21. Li L et al. Genotypic and phenotypic characterization of Chinese patients with osteogenesis imperfecta. Hum Mutat. 2019 May;40(5):588-600. Pace JM et al. Deletions and duplications of Gly-Xaa-Yaa triplet repeats in the triple helical domains of type I collagen chains disrupt helix formation and result in several types of osteogenesis imperfecta. Hum Mutat. 2001 Oct;18(4):319-26.